The following is an entry in ClinVar:

ClinVar aggregate classification (germline): Conflicting classifications of pathogenicity. Review status: criteria provided, conflicting classifications (1 of 4 stars). 7 submissions from 7 submitters: Likely pathogenic (2); Uncertain significance (3). 2 of the submissions do not count toward it. Last evaluated 2025-10-01.

Conditions:
SGCA-related disorder. Also called: SGCA-related condition.
Autosomal recessive limb-girdle muscular dystrophy type 2D (LGMDR3). Also called: MUSCULAR DYSTROPHY, LIMB-GIRDLE, AUTOSOMAL RECESSIVE 3; ADHALINOPATHY, PRIMARY; DUCHENNE-LIKE AUTOSOMAL RECESSIVE MUSCULAR DYSTROPHY, TYPE 2. Identifiers: Orphanet 62, MedGen C2936332, MONDO:0011968, OMIM 608099. Disease mechanism: Affects gamma-sarcoglycan and also disrupts the integrity of the entire sarcoglycan complex..

Allele frequency attached by ClinVar (database versions not stated): gnomAD exomes below 0.00001 and 0.00001; ExAC 0.00001; gnomAD 0.00002; TOPMed 0.00004.
gnomAD v4.1: 14 of 1,613,708 alleles (0.00087%); highest among the groups gnomAD compares: Admixed American, 0.0083%; no homozygotes.

Submissions (7):

Labcorp Genetics (formerly Invitae), Labcorp
Classification: Likely pathogenic for Autosomal recessive limb-girdle muscular dystrophy type 2D. Last evaluated: 2025-10-01. Review status: criteria provided, single submitter. Criteria: Invitae Variant Classification Sherloc (09022015). Collection method: clinical testing. Allele origin: germline.
Comment: This sequence change replaces arginine, which is basic and polar, with histidine, which is basic and polar, at codon 81 of the SGCA protein (p.Arg81His). This variant is present in population databases (rs747984529, gnomAD 0.003%). This missense change has been observed in individual(s) with clinical features of SGCA-related conditions (PMID: 31517061). ClinVar contains an entry for this variant (Variation ID: 597056). Invitae Evidence Modeling of protein sequence and biophysical properties (such as structural, functional, and spatial information, amino acid conservation, physicochemical variation, residue mobility, and thermodynamic stability) indicates that this missense variant is expected to disrupt SGCA protein function with a positive predictive value of 95%. This variant disrupts the p.Arg81 amino acid residue in SGCA. Other variant(s) that disrupt this residue have been determined to be pathogenic (PMID: 24742800, 26453141, 30345904). This suggests that this residue is clinically significant, and that variants that disrupt this residue are likely to be disease-causing. In summary, the currently available evidence indicates that the variant is pathogenic, but additional data are needed to prove that conclusively. Therefore, this variant has been classified as Likely Pathogenic.

Neuberg Centre For Genomic Medicine, NCGM
Classification: Likely pathogenic for Autosomal recessive limb-girdle muscular dystrophy type 2D. Last evaluated: 2023-07-22. Review status: criteria provided, single submitter. Criteria: ACMG Guidelines, 2015. Collection method: clinical testing. Allele origin: germline. Inheritance: Autosomal recessive inheritance. Affected: yes.
Comment: The observed missense c.242G>Ap.Arg81His variant in SGCA gene has been reported previously in homozygous state in individuals affected with hyperCKemia Rubegni et al., 2019. This variant is reported with the allele frequency of 0.0004% in the gnomAD Exomes. This variant has been reported to the ClinVar database as Uncertain Significance / Likely Pathogenic. The amino acid Arg at position 81 is changed to a His changing protein sequence and it might alter its composition and physico-chemical properties. The amino acid change p.Arg81His in SGCA is predicted as conserved by GERP++ and PhyloP across 100 vertebrates. Multiple lines of computational evidence Polyphen - Damaging, SIFT - Damaging, and MutationTaster - Disease causing predict a damaging effect on protein structure and function for this variant. This variant is located in a mutational hot spot and/or critical and well-established functional domain and different missense change determined to be pathogenic has been seen before at this position. For these reasons, this variant has been classified as Likely Pathogenic. In the absence of another reportable variant, the molecular diagnosis is not confirmed.

Revvity Omics, Revvity
Classification: Uncertain significance for Autosomal recessive limb-girdle muscular dystrophy type 2D. Last evaluated: 2020-09-18. Review status: criteria provided, single submitter. Criteria: ACMG Guidelines, 2015. Collection method: clinical testing. Allele origin: germline.

Athena Diagnostics
Classification: Uncertain significance. Last evaluated: 2019-11-12. Review status: criteria provided, single submitter. Criteria: Athena Diagnostics Criteria. Collection method: clinical testing. Allele origin: unknown.

Eurofins Ntd Llc (ga)
Classification: Uncertain significance. Last evaluated: 2018-05-07. Review status: criteria provided, single submitter. Criteria: EGL ClinVar v180209 classification definitions. Collection method: clinical testing. Allele origin: germline. Observed: 1 variant allele, 1 heterozygote.

PreventionGenetics, part of Exact Sciences
Classification: Likely pathogenic for SGCA-related condition. Last evaluated: 2024-01-05. Review status: no assertion criteria provided. Collection method: clinical testing. Allele origin: germline. Not counted in ClinVar's aggregate classification.
Comment: The SGCA c.242G>A variant is predicted to result in the amino acid substitution p.Arg81His. This variant along with a second potentially disease causing variant has been reported in a patient with asymptomatic hyperCKemia (normal neurologic exam and elevated serum creatine kinase levels) as well as mild myopathic signs on muscle biopsy (Rubegni et al. 2019. PubMed ID: 31517061). This variant is reported in 0.0029% of alleles in individuals of Latino descent in gnomAD. A different substitution at the same amino acid position (p.Arg81Cys) has been reported in the homozygous state in a patient with limb-girdle muscular dystrophy (Saha et al. 2018. PubMed ID: 30345904). This variant is interpreted as likely pathogenic.

Natera, Inc.
Classification: Uncertain significance for Limb-girdle muscular dystrophy type 2D. Last evaluated: 2020-08-28. Review status: no assertion criteria provided. Collection method: clinical testing. Allele origin: germline. Not counted in ClinVar's aggregate classification.

Literature cited by the submitters: PubMed 31517061 (cited by Labcorp Genetics (formerly Invitae), Labcorp and Athena Diagnostics); PubMed 24742800 (cited by Labcorp Genetics (formerly Invitae), Labcorp); PubMed 26453141 (cited by Labcorp Genetics (formerly Invitae), Labcorp); PubMed 30345904 (cited by Labcorp Genetics (formerly Invitae), Labcorp).

NM_000023.4(SGCA):c.242G>A (p.Arg81His)

Gene: SGCA (sarcoglycan alpha; plus strand). Cytogenetic location: 17q21.33.
Variant type: single nucleotide variant.
Coding change: c.242G>A on transcript NM_000023.4 (MANE Select); coding-DNA position 242, G replaced by A.
Protein change: p.Arg81His; replaces arginine 81 with histidine.
Molecular consequence: missense variant. On other transcripts: non-coding transcript variant (1).
Genome position (GRCh38, 1-based): chr17:50,167,666, G>A. VCF-style: chr17-50167666-G-A. GRCh37 (hg19) VCF-style: chr17-48245027-G-A.
Other names: c.242G>A, p.Arg81His (NM_001135697.3); c.242G>A (NM_000023.2); short protein forms R81H.
Identifiers: ClinVar variation 597056 (VCV000597056.16), dbSNP rs747984529, ClinGen allele CA8643738.